The following is an entry in ClinVar:

NM_001322934.2(NFKB2):c.1700C>T (p.Ala567Val)

Gene: NFKB2 (nuclear factor kappa B subunit 2; plus strand). Cytogenetic location: 10q24.32.
Variant type: single nucleotide variant.
Coding change: c.1700C>T on transcript NM_001322934.2 (MANE Select); coding-DNA position 1700, C replaced by T.
Protein change: p.Ala567Val; replaces alanine 567 with valine.
Molecular consequence: missense variant.
Genome position (GRCh38, 1-based): chr10:102,400,393, C>T. VCF-style: chr10-102400393-C-T. GRCh37 (hg19) VCF-style: chr10-104160150-C-T.
Other names: c.1700C>T, p.Ala567Val (NM_001077494.3, NM_001261403.3, NM_001288724.1 and 1 more transcripts); c.1574C>T, p.Ala525Val (NM_001322935.1); short protein forms A525V, A567V.
Identifiers: ClinVar variation 1409105 (VCV001409105.15), dbSNP rs199841036, ClinGen allele CA5664875.
Genomic context (GRCh38, chr10:102,400,393, plus strand): 5'-TGCGGGTAGGTGCAGACCCAGCTCTGCTGGATCGGCATGGAGACTCAGCCATGCATCTGG[C>T]GCTGCGGGCAGGCGCTGGTGCTCCTGAGCTGCTGCGTGCACTGCTTCAGAGTGGAGCTCC-3'
Protein context (NP_001309863.1, residues 557-577): DRHGDSAMHL[Ala567Val]LRAGAGAPEL

ClinVar aggregate classification (germline): Conflicting classifications of pathogenicity. Review status: criteria provided, conflicting classifications (1 of 4 stars). 4 submissions from 4 submitters: Uncertain significance (3); Likely benign (1). Last evaluated 2026-01-18.

Conditions:
Immunodeficiency, common variable, 10. Also called: IMMUNODEFICIENCY, COMMON VARIABLE, WITH CENTRAL ADRENAL INSUFFICIENCY; DEFICIT IN ANTERIOR PITUITARY FUNCTION AND VARIABLE IMMUNODEFICIENCY. Identifiers: MedGen C3809991, MONDO:0014260, OMIM 615577.

Allele frequency attached by ClinVar (database versions not stated): gnomAD exomes 0.00001 and 0.00003; TOPMed 0.00002; ExAC 0.00003; gnomAD 0.00005.
gnomAD v4.1: 28 of 1,613,270 alleles (0.0017%); highest among the groups gnomAD compares: Non-Finnish European, 0.0023%; no homozygotes.

Submissions (4):

Labcorp Genetics (formerly Invitae), Labcorp
Classification: Uncertain significance for Immunodeficiency, common variable, 10. Last evaluated: 2026-01-18. Review status: criteria provided, single submitter. Criteria: Invitae Variant Classification Sherloc (09022015). Collection method: clinical testing. Allele origin: germline.
Comment: This sequence change replaces alanine, which is neutral and non-polar, with valine, which is neutral and non-polar, at codon 567 of the NFKB2 protein (p.Ala567Val). This variant is present in population databases (rs199841036, gnomAD 0.006%). This variant has not been reported in the literature in individuals affected with NFKB2-related conditions. ClinVar contains an entry for this variant (Variation ID: 1409105). An algorithm developed to predict the effect of missense changes on protein structure and function (PolyPhen-2) suggests that this variant is likely to be disruptive. In summary, the available evidence is currently insufficient to determine the role of this variant in disease. Therefore, it has been classified as a Variant of Uncertain Significance.

Institute of Immunology and Genetics Kaiserslautern
Classification: Uncertain significance for Immunodeficiency, common variable, 10. Last evaluated: 2025-11-14. Review status: criteria provided, single submitter. Criteria: ACMG Guidelines, 2015. Collection method: clinical testing. Allele origin: germline. Affected: yes.
Comment: ACMG Criteria: PM2_P, PP3; Variant was found in heterozygous state.

CeGaT Center for Human Genetics Tuebingen
Classification: Uncertain significance. Last evaluated: 2025-10-01. Review status: criteria provided, single submitter. Criteria: CeGaT Center For Human Genetics Tuebingen Variant Classification Criteria Version 2. Collection method: clinical testing. Allele origin: germline. Affected: yes. Observed: 1 variant allele.

Blueprint Genetics
Classification: Likely benign. Last evaluated: 2024-09-16. Review status: criteria provided, single submitter. Criteria: ACMG Guidelines, 2015. Collection method: clinical testing. Allele origin: germline.